The following is an entry in ClinVar:

ClinVar aggregate classification (germline): Uncertain significance (1 of 4 stars; one submission).

Conditions:
MN1-related disorder. Also called: MN1-related condition.

Submission:

PreventionGenetics, part of Exact Sciences
Classification: Uncertain significance for MN1-related condition. Last evaluated: 2023-03-10. Review status: criteria provided, single submitter. Criteria: ACMG Guidelines, 2015. Collection method: clinical testing. Allele origin: germline.
Comment: The MN1 c.3355_3374delinsAGCTA variant is predicted to result in an in-frame deletion and insertion. To our knowledge, this variant has not been reported in the literature or in a large population database, indicating this variant is rare. At this time, the clinical significance of this variant is uncertain due to the absence of conclusive functional and genetic evidence.

NM_002430.3(MN1):c.3355_3374delinsAGCTA (p.Gly1119_Gly1125delinsSerTyr)

Gene: MN1 (MN1 proto-oncogene, transcriptional regulator; minus strand). Cytogenetic location: 22q12.1.
Variant type: Indel.
Coding change: c.3355_3374delinsAGCTA on transcript NM_002430.3 (MANE Select); coding-DNA positions 3355 to 3374, GGCGGCGGTGGGGGCCCGGG replaced by AGCTA.
Protein change: p.Gly1119_Gly1125delinsSerTyr.
Molecular consequence: inframe indel.
Genome position (GRCh38, 1-based): chr22:27,797,170-27,797,189, CCCGGGCCCCCACCGCCGCC replaced by TAGCT on the plus strand (GGCGGCGGTGGGGGCCCGGG replaced by AGCTA on the coding strand, the reverse complement: MN1 is on the minus strand). VCF-style: chr22-27797170-CCCGGGCCCCCACCGCCGCC-TAGCT. GRCh37 (hg19) VCF-style: chr22-28193158-CCCGGGCCCCCACCGCCGCC-TAGCT.
Identifiers: ClinVar variation 2633520 (VCV002633520.1), dbSNP rs2517770207, ClinGen allele CA2695200086.